The following is an entry in ClinVar:

ClinVar aggregate classification (germline): Likely pathogenic. Review status: criteria provided, single submitter (1 of 4 stars). 2 submissions from 2 submitters: Likely pathogenic (1). 1 of the submissions does not count toward it. Last evaluated 2019-02-19.

Conditions:
Snijders Blok-Campeau syndrome. Also called: INTELLECTUAL DEVELOPMENTAL DISORDER WITH MACROCEPHALY, SPEECH DELAY, AND DYSMORPHIC FACIES. Identifiers: Orphanet 599082, MedGen C4748701, MONDO:0032600, OMIM 618205.
Intellectual disability. Also called: Intellectual functioning disability; intellectual disabilities; Intellectual developmental disorder. Identifiers: MedGen C3714756, MeSH D008607, MONDO:0001071, HP:0001249.

Submissions (2):

SIB Swiss Institute of Bioinformatics
Classification: Likely pathogenic for Snijders Blok-Campeau syndrome. Last evaluated: 2019-02-19. Review status: criteria provided, single submitter. Criteria: ACMG Guidelines, 2015. Collection method: curation. Allele origin: unknown.
Comment: This variant is interpreted as a Likely pathogenic for Snijders Blok-Campeau syndrome, autosomal dominant. The following ACMG Tag(s) were applied: PM2 : Absent from controls (or at extremely low frequency if recessive) in Exome Sequencing Project, 1000 Genomes Project, or Exome Aggregation Consortium. PM6 : Assumed de novo, but without confirmation of paternity and maternity (PMID:30397230). PP2 : Missense variant in a gene that has a low rate of benign missense variation and in which missense variants are a common mechanism of disease. PP3 : Multiple lines of computational evidence support a deleterious effect on the gene or gene product.

CHU Sainte-Justine Research Center, University of Montreal
Classification: Likely pathogenic for Intellectual disability. Last evaluated: 2018-05-03. Review status: no assertion criteria provided. Collection method: research. Allele origin: germline. Affected: yes. Not counted in ClinVar's aggregate classification.

Literature cited by the submitters: PubMed 30397230 (cited by SIB Swiss Institute of Bioinformatics).

NM_001005273.3(CHD3):c.3707T>C (p.Leu1236Pro)

Gene: CHD3 (chromodomain helicase DNA binding protein 3; plus strand). Cytogenetic location: 17p13.1.
Variant type: single nucleotide variant.
Coding change: c.3707T>C on transcript NM_001005273.3 (MANE Select); coding-DNA position 3707, T replaced by C.
Protein change: p.Leu1236Pro; replaces leucine 1236 with proline.
Molecular consequence: missense variant.
Genome position (GRCh38, 1-based): chr17:7,903,483, T>C. VCF-style: chr17-7903483-T-C. GRCh37 (hg19) VCF-style: chr17-7806801-T-C.
Other names: c.3884T>C, p.Leu1295Pro (NM_001005271.3); c.3707T>C, p.Leu1236Pro (NM_005852.4); short protein forms L1236P, L1295P.
Identifiers: ClinVar variation 549745 (VCV000549745.2), dbSNP rs1567861894, ClinGen allele CA397942674.